The following is an entry in ClinVar:

NM_144658.4(DOCK11):c.1108A>G (p.Asn370Asp)

Gene: DOCK11 (dedicator of cytokinesis 11; plus strand). Cytogenetic location: Xq24.
Variant type: single nucleotide variant.
Coding change: c.1108A>G on transcript NM_144658.4 (MANE Select); coding-DNA position 1108, A replaced by G.
Protein change: p.Asn370Asp; replaces asparagine 370 with aspartic acid.
Molecular consequence: missense variant.
Genome position (GRCh38, 1-based): chrX:118,572,395, A>G. VCF-style: chrX-118572395-A-G. GRCh37 (hg19) VCF-style: chrX-117706358-A-G.
Other names: short protein forms N370D.
Identifiers: ClinVar variation 4882429 (VCV004882429.2).

ClinVar aggregate classification (germline): Uncertain significance (1 of 4 stars; one submission).

gnomAD v4.1: 20 of 1,204,691 alleles (0.0017%); highest among the groups gnomAD compares: African/African-American, 0.033%; no homozygotes.

Submission:

Dasa
Classification: Uncertain significance. Last evaluated: 2025-10-16. Review status: criteria provided, single submitter. Criteria: DASA Assertion Criteria. Collection method: clinical testing. Allele origin: germline.
Comment: NM_144658.4(DOCK11):c.1108A>G (p.Asn370Asp) is a missense variant that results in the substitution of asparagine with aspartic acid. This variant is rare in population databases. Computational prediction algorithms are consistent with a benign effect. The currently available literature and clinical evidence are not sufficient to establish a definitive association between this variant and the reported condition. Therefore, this variant is classified as a variant of uncertain significance.